The following is an entry in ClinVar:

ClinVar aggregate classification (germline): not provided (0 of 4 stars; one submission).

Conditions:
Normal pregnancy. Identifiers: MedGen C0232989.

Submission:

Institute of Molecular and Cell Biology, University of Tartu
No classification provided. Condition: Normal pregnancy. Review status: no classification provided. Collection method: case-control. Allele origin: unknown. Affected: yes. Study: Kasak2014.
Comment: The study aimed to determine the contribution of copy number variants in the genetic etiology of normal and complicated pregnancies. The samples represented (i) maternal blood DNA drawn from healthy pregnant women during 1st or 2nd trimester and (ii) maternal and paternal blood DNA drawn at term pregnancy cases representing normal and complicated gestations (severe preeclampsia, PE; gestational diabetes, GD; small-for-gestational age newborn, SGA; large-for-gestational age newborn, LGA). We performed CNV calling based on genome-wide genotyping dataset (Illumina HumanOmniExpress-24-v1 BeadChip) by applying three algorithms, QuantiSNP, GADA (Genome Alteration Detection Algorithm) and CNstream in parallel. The acquired CNV calls were merged with HD-CNV (Hotspot Detector for Copy Number Variants) program and only the CNVs predicted by at least two programs, were considered in subsequent analysis.

Literature cited by the submitters: PubMed 25666259.

NC_000007.14:g.111429890_111526109dup

Gene: IMMP2L (inner mitochondrial membrane peptidase subunit 2; minus strand). Cytogenetic location: 7q31.1.
Variant type: Duplication.
Identifiers: ClinVar variation 157069 (VCV000157069.2).